The following is an entry in ClinVar:

ClinVar aggregate classification (germline): Uncertain significance. Review status: criteria provided, multiple submitters, no conflicts (2 of 4 stars). 3 submissions from 3 submitters: Uncertain significance (3). Last evaluated 2025-11-26.

Conditions:
Hereditary cancer-predisposing syndrome. Also called: Neoplastic Syndromes, Hereditary; Tumor predisposition; Hereditary Cancer Syndrome; Hereditary neoplastic syndrome. Identifiers: Orphanet 140162, MedGen C0027672, MeSH D009386, MONDO:0015356.
Cardiovascular phenotype. Identifiers: MedGen CN230736.

Allele frequency attached by ClinVar (database versions not stated): gnomAD exomes below 0.00001; ExAC 0.00001; gnomAD 0.00001; TOPMed 0.00001.
gnomAD v4.1: 5 of 1,613,508 alleles (0.00031%); highest among the groups gnomAD compares: Non-Finnish European, 0.00042%; no homozygotes.

Submissions (3):

Labcorp Genetics (formerly Invitae), Labcorp
Classification: Uncertain significance. Last evaluated: 2025-11-26. Review status: criteria provided, single submitter. Criteria: Invitae Variant Classification Sherloc (09022015). Collection method: clinical testing. Allele origin: germline.
Comment: This sequence change replaces arginine, which is basic and polar, with lysine, which is basic and polar, at codon 717 of the LZTR1 protein (p.Arg717Lys). This variant is present in population databases (rs763082355, gnomAD 0.002%). This variant has not been reported in the literature in individuals affected with LZTR1-related conditions. ClinVar contains an entry for this variant (Variation ID: 1786742). Invitae Evidence Modeling of protein sequence and biophysical properties (such as structural, functional, and spatial information, amino acid conservation, physicochemical variation, residue mobility, and thermodynamic stability) indicates that this missense variant is not expected to disrupt LZTR1 protein function with a negative predictive value of 80%. In summary, the available evidence is currently insufficient to determine the role of this variant in disease. Therefore, it has been classified as a Variant of Uncertain Significance.

Ambry Genetics
Classification: Uncertain significance for Cardiovascular phenotype; Hereditary cancer-predisposing syndrome. Last evaluated: 2025-06-20. Review status: criteria provided, single submitter. Criteria: Ambry Variant Classification Scheme 2023. Collection method: clinical testing. Allele origin: germline.
Comment: The p.R717K variant (also known as c.2150G>A), located in coding exon 18 of the LZTR1 gene, results from a G to A substitution at nucleotide position 2150. The arginine at codon 717 is replaced by lysine, an amino acid with highly similar properties. This amino acid position is not well conserved in available vertebrate species. In addition, this alteration is predicted to be tolerated by in silico analysis. Based on the available evidence, the clinical significance of this variant remains unclear.

GeneDx
Classification: Uncertain significance. Last evaluated: 2025-01-09. Review status: criteria provided, single submitter. Criteria: GeneDx Variant Classification Process June 2021. Collection method: clinical testing. Allele origin: germline. Affected: yes.
Comment: Not observed at significant frequency in large population cohorts (gnomAD); In silico analysis indicates that this missense variant does not alter protein structure/function; Has not been previously published as pathogenic or benign to our knowledge

NM_006767.4(LZTR1):c.2150G>A (p.Arg717Lys)

Gene: LZTR1 (leucine zipper like post translational regulator 1; plus strand). Cytogenetic location: 22q11.21.
Variant type: single nucleotide variant.
Coding change: c.2150G>A on transcript NM_006767.4 (MANE Select); coding-DNA position 2150, G replaced by A.
Protein change: p.Arg717Lys; replaces arginine 717 with lysine.
Molecular consequence: missense variant.
Genome position (GRCh38, 1-based): chr22:20,996,043, G>A. VCF-style: chr22-20996043-G-A. GRCh37 (hg19) VCF-style: chr22-21350332-G-A.
Other names: short protein forms R717K.
Identifiers: ClinVar variation 1786742 (VCV001786742.7), dbSNP rs763082355, ClinGen allele CA10119258.